The following is an entry in ClinVar:

ClinVar aggregate classification (germline): Uncertain significance. Review status: criteria provided, multiple submitters, no conflicts (2 of 4 stars). 2 submissions from 2 submitters: Uncertain significance (2). Last evaluated 2026-01-26.

Conditions:
Familial sleep-related hypermotor epilepsy. Also called: Autosomal Dominant Sleep-Related Hypermotor (Hyperkinetic) Epilepsy. Identifiers: Orphanet 98784, MedGen C3696898, MONDO:0000030.
Autosomal dominant nocturnal frontal lobe epilepsy 4. Also called: EPILEPSY, FAMILIAL, WITH NOCTURNAL WANDERING AND ICTAL FEAR; CHRNA2-Related Nocturnal Frontal Lobe Epilepsy, Autosomal Dominant. Identifiers: Orphanet 98784, MedGen C1835905, MONDO:0012474, OMIM 610353.

Allele frequency attached by ClinVar (database versions not stated): TOPMed 0.00001; gnomAD 0.00001.
gnomAD v4.1: 4 of 1,614,070 alleles (0.00025%); highest among the groups gnomAD compares: Non-Finnish European, 0.00025%; no homozygotes.

Submissions (2):

Labcorp Genetics (formerly Invitae), Labcorp
Classification: Uncertain significance. Last evaluated: 2026-01-26. Review status: criteria provided, single submitter. Criteria: Invitae Variant Classification Sherloc (09022015). Collection method: clinical testing. Allele origin: germline.
Comment: This sequence change replaces arginine, which is basic and polar, with histidine, which is basic and polar, at codon 87 of the CHRNA2 protein (p.Arg87His). This variant is present in population databases (no rsID available, gnomAD 0.0009%). This variant has not been reported in the literature in individuals affected with CHRNA2-related conditions. ClinVar contains an entry for this variant (Variation ID: 362697). Invitae Evidence Modeling of protein sequence and biophysical properties (such as structural, functional, and spatial information, amino acid conservation, physicochemical variation, residue mobility, and thermodynamic stability) indicates that this missense variant is not expected to disrupt CHRNA2 protein function with a negative predictive value of 80%. In summary, the available evidence is currently insufficient to determine the role of this variant in disease. Therefore, it has been classified as a Variant of Uncertain Significance.

Illumina Laboratory Services, Illumina
Classification: Uncertain significance for Autosomal dominant nocturnal frontal lobe epilepsy 4. Last evaluated: 2018-01-13. Review status: criteria provided, single submitter. Criteria: ICSL Variant Classification Criteria 13 December 2019. Collection method: clinical testing. Allele origin: germline.

NM_000742.4(CHRNA2):c.260G>A (p.Arg87His)

Gene: CHRNA2 (cholinergic receptor nicotinic alpha 2 subunit; minus strand). Cytogenetic location: 8p21.2.
Variant type: single nucleotide variant.
Coding change: c.260G>A on transcript NM_000742.4 (MANE Select); coding-DNA position 260, G replaced by A.
Protein change: p.Arg87His; replaces arginine 87 with histidine.
Molecular consequence: missense variant. On other transcripts: 5 prime UTR variant (2), intron variant (3).
Genome position (GRCh38, 1-based): chr8:27,469,795, C>T on the plus strand (G>A on the coding strand, the complement: CHRNA2 is on the minus strand). VCF-style: chr8-27469795-C-T. GRCh37 (hg19) VCF-style: chr8-27327312-C-T.
Other names: c.-213G>A (NM_001347706.2); c.-202G>A (NM_001347708.2); c.-179+11G>A (NM_001347705.2); c.249+11G>A (NM_001282455.2); c.-165+11G>A (NM_001347707.2); short protein forms R87H.
Identifiers: ClinVar variation 362697 (VCV000362697.6), dbSNP rs532212433, ClinGen allele CA10630812.